The following is an entry in ClinVar:

ClinVar aggregate classification (germline): Uncertain significance (1 of 4 stars; one submission).

gnomAD v4.1: 3 of 1,551,170 alleles (0.00019%); highest among the groups gnomAD compares: South Asian, 0.0024%; no homozygotes.

Submission:

Labcorp Genetics (formerly Invitae), Labcorp
Classification: Uncertain significance. Last evaluated: 2022-07-06. Review status: criteria provided, single submitter. Criteria: Invitae Variant Classification Sherloc (09022015). Collection method: clinical testing. Allele origin: germline.
Comment: This sequence change replaces histidine, which is basic and polar, with arginine, which is basic and polar, at codon 563 of the MYO18B protein (p.His563Arg). This variant is not present in population databases (gnomAD no frequency). This variant has not been reported in the literature in individuals affected with MYO18B-related conditions. ClinVar contains an entry for this variant (Variation ID: 1491670). Algorithms developed to predict the effect of missense changes on protein structure and function are either unavailable or do not agree on the potential impact of this missense change (SIFT: "Not Available"; PolyPhen-2: "Possibly Damaging"; Align-GVGD: "Not Available"). In summary, the available evidence is currently insufficient to determine the role of this variant in disease. Therefore, it has been classified as a Variant of Uncertain Significance.

NM_032608.7(MYO18B):c.1688A>G (p.His563Arg)

Gene: MYO18B (myosin XVIIIB; plus strand). Cytogenetic location: 22q12.1.
Variant type: single nucleotide variant.
Coding change: c.1688A>G on transcript NM_032608.7 (MANE Select); coding-DNA position 1688, A replaced by G.
Protein change: p.His563Arg; replaces histidine 563 with arginine.
Molecular consequence: missense variant.
Genome position (GRCh38, 1-based): chr22:25,770,980, A>G. VCF-style: chr22-25770980-A-G. GRCh37 (hg19) VCF-style: chr22-26166947-A-G.
Other names: c.1688A>G, p.His563Arg (NM_001318245.2); short protein forms H563R.
Identifiers: ClinVar variation 1491670 (VCV001491670.6), dbSNP rs1289958044, ClinGen allele CA411005771.